The following is an entry in ClinVar:

ClinVar aggregate classification (germline): Pathogenic (1 of 4 stars; one submission).

Submission:

CeGaT Center for Human Genetics Tuebingen
Classification: Pathogenic. Last evaluated: 2025-07-01. Review status: criteria provided, single submitter. Criteria: CeGaT Center For Human Genetics Tuebingen Variant Classification Criteria Version 2. Collection method: clinical testing. Allele origin: germline. Affected: yes. Observed: 1 variant allele.
Comment: MYO7A: PVS1, PM2

NM_000260.4(MYO7A):c.1777_1780del (p.Phe593fs)

Gene: MYO7A (myosin VIIA; plus strand). Cytogenetic location: 11q13.5.
Variant type: Deletion.
Coding change: c.1777_1780del on transcript NM_000260.4 (MANE Select); coding-DNA positions 1777 to 1780, 4 bases deleted (TTCC; older notation c.1777_1780delTTCC).
Protein change: p.Phe593fs; shifts the reading frame from phenylalanine 593.
Molecular consequence: frameshift variant.
Genome position (GRCh38, 1-based): chr11:77,166,142-77,166,145, TTCC deleted; deleting any 4 consecutive bases within chr11:77,166,141-77,166,145 gives the same sequence; the c. name uses the placement nearest the transcript's 3' end. VCF-style (leftmost placement, unchanged base first): chr11-77166140-TCTTC-T. GRCh37 (hg19) VCF-style: chr11-76877186-TCTTC-T.
Other names: c.1777_1780del, p.Phe593fs (NM_001127180.2); c.1744_1747del, p.Phe582fs (NM_001369365.1); short protein forms F582fs, F593fs.
Identifiers: ClinVar variation 4085472 (VCV004085472.8).